The following is an entry in ClinVar:

NM_001042492.3(NF1):c.5820A>G (p.Glu1940=)

Gene: NF1 (neurofibromin 1; plus strand). Cytogenetic location: 17q11.2.
Variant type: single nucleotide variant.
Coding change: c.5820A>G on transcript NM_001042492.3 (MANE Select); coding-DNA position 5820, A replaced by G.
Protein change: p.Glu1940=; no amino-acid change (glutamic acid 1940 retained).
Molecular consequence: synonymous variant.
Genome position (GRCh38, 1-based): chr17:31,334,845, A>G. VCF-style: chr17-31334845-A-G. GRCh37 (hg19) VCF-style: chr17-29661863-A-G.
Other names: c.5757A>G, p.Glu1919= (NM_000267.4).
Identifiers: ClinVar variation 825944 (VCV000825944.13), dbSNP rs1387817581, ClinGen allele CA499233671.
Genomic context (GRCh38, chr17:31,334,845, plus strand): 5'-TGTTGATGTGATTTTCATTGACCATCACATGCTAATAGTGTATTTTTTTCCAGGTATTGA[A>G]TTGAAACACCTTTGTTTGGAATACATGACTCCATGGCTGTCAAATCTAGTTCGTTTTTGC-3'
Protein context (NP_001035957.1, residues 1930-1950): CISGFSKSSI[Glu1940=]LKHLCLEYMT

ClinVar aggregate classification (germline): Likely benign. Review status: criteria provided, multiple submitters, no conflicts (2 of 4 stars). 4 submissions from 4 submitters: Likely benign (4). Last evaluated 2023-08-16.

Conditions:
Neurofibromatosis, type 1 (NF1). Also called: Neurofibromatosis, type I; Peripheral type neurofibromatosis; VON RECKLINGHAUSEN DISEASE; NEUROFIBROMATOSIS, TYPE I, SOMATIC. Identifiers: Orphanet 636, MedGen C0027831, MONDO:0018975, OMIM 162200. Disease mechanism: loss of function.
Hereditary cancer-predisposing syndrome. Also called: Neoplastic Syndromes, Hereditary; Hereditary Cancer Syndrome; Hereditary neoplastic syndrome; Tumor predisposition. Identifiers: Orphanet 140162, MedGen C0027672, MeSH D009386, MONDO:0015356.
Cardiovascular phenotype. Identifiers: MedGen CN230736.

Allele frequency attached by ClinVar (database versions not stated): gnomAD exomes below 0.00001; gnomAD 0.00001; TOPMed 0.00002.
gnomAD v4.1: 3 of 1,613,556 alleles (0.00019%); highest among the groups gnomAD compares: East Asian, 0.0067%; no homozygotes.

Submissions (4):

Labcorp Genetics (formerly Invitae), Labcorp
Classification: Likely benign for Neurofibromatosis, type 1. Last evaluated: 2023-08-16. Review status: criteria provided, single submitter. Criteria: Invitae Variant Classification Sherloc (09022015). Collection method: clinical testing. Allele origin: germline.

Genome-Nilou Lab
Classification: Likely benign for Neurofibromatosis, type 1. Last evaluated: 2022-03-15. Review status: criteria provided, single submitter. Criteria: ACMG Guidelines, 2015. Collection method: clinical testing. Allele origin: germline. Affected: no.

GeneDx
Classification: Likely benign. Last evaluated: 2020-12-29. Review status: criteria provided, single submitter. Criteria: GeneDx Variant Classification Process June 2021. Collection method: clinical testing. Allele origin: germline. Affected: yes.
Comment: See Variant Classification Assertion Criteria.

Ambry Genetics
Classification: Likely benign for Cardiovascular phenotype; Hereditary cancer-predisposing syndrome. Last evaluated: 2018-02-08. Review status: criteria provided, single submitter. Criteria: Ambry Variant Classification Scheme 2023. Collection method: clinical testing. Allele origin: germline.